The following is an entry in ClinVar:

ClinVar aggregate classification (germline): Likely benign (1 of 4 stars; one submission).

Submission:

CeGaT Center for Human Genetics Tuebingen
Classification: Likely benign. Last evaluated: 2025-07-01. Review status: criteria provided, single submitter. Criteria: CeGaT Center For Human Genetics Tuebingen Variant Classification Criteria Version 2. Collection method: clinical testing. Allele origin: germline. Affected: yes. Observed: 1 variant allele.
Comment: FBXW7: PM2:Supporting, BP4, BP7

NM_001349798.2(FBXW7):c.600A>C (p.Val200=)

Gene: FBXW7 (F-box and WD repeat domain containing 7; minus strand). Cytogenetic location: 4q31.3.
Variant type: single nucleotide variant.
Coding change: c.600A>C on transcript NM_001349798.2 (MANE Select); coding-DNA position 600, A replaced by C.
Protein change: p.Val200=; no amino-acid change (valine 200 retained).
Molecular consequence: synonymous variant.
Genome position (GRCh38, 1-based): chr4:152,347,056, T>G on the plus strand (A>C on the coding strand, the complement: FBXW7 is on the minus strand). VCF-style: chr4-152347056-T-G. GRCh37 (hg19) VCF-style: chr4-153268208-T-G.
Other names: c.246A>C, p.Val82= (NM_001013415.2); c.360A>C, p.Val120= (NM_018315.5); c.600A>C, p.Val200= (NM_033632.3).
Identifiers: ClinVar variation 4085114 (VCV004085114.8).